The following is an entry in ClinVar:

NM_000388.4(CASR):c.2030G>A (p.Cys677Tyr)

Gene: CASR (calcium sensing receptor; plus strand). Cytogenetic location: 3q21.1.
Variant type: single nucleotide variant.
Coding change: c.2030G>A on transcript NM_000388.4 (MANE Select); coding-DNA position 2030, G replaced by A.
Protein change: p.Cys677Tyr; replaces cysteine 677 with tyrosine.
Molecular consequence: missense variant.
Genome position (GRCh38, 1-based): chr3:122,283,984, G>A. VCF-style: chr3-122283984-G-A. GRCh37 (hg19) VCF-style: chr3-122002831-G-A.
Other names: c.2060G>A, p.Cys687Tyr (NM_001178065.2); short protein forms C677Y, C687Y.
Identifiers: ClinVar variation 5019873 (VCV005019873.2).

ClinVar aggregate classification (germline): Likely pathogenic (1 of 4 stars; one submission).

Conditions:
Familial hypocalciuric hypercalcemia 1. Also called: Hypercalcemia, familial benign type 1. Identifiers: Orphanet 405, Orphanet 93372, MedGen C0342637, MONDO:0007791, OMIM 145980.
Autosomal dominant hypocalcemia 1 (HYPOC1). Also called: HYPOCALCEMIA, FAMILIAL. Identifiers: MedGen C3715128, MONDO:0011013, OMIM 601198.
Neonatal severe primary hyperparathyroidism. Identifiers: Orphanet 417, MedGen C1832615, MONDO:0009397, OMIM 239200.
Epilepsy, idiopathic generalized, susceptibility to, 8. Identifiers: MedGen C2752062, MONDO:0013032, OMIM 612899.

Submission:

Juno Genomics, Hangzhou Juno Genomics, Inc
Classification: Likely pathogenic for Epilepsy, idiopathic generalized, susceptibility to, 8; Neonatal severe primary hyperparathyroidism; Autosomal dominant hypocalcemia 1; Familial hypocalciuric hypercalcemia 1. Review status: criteria provided, single submitter. Criteria: ACMG Guidelines, 2015. Collection method: clinical testing. Allele origin: germline.
Comment: Absent from controls (or at extremely low frequency if recessive) in Genome Aggregation Database.;Multiple lines of computational evidence support a deleterious effect on the gene or gene product.;Missense variant in a gene that has a low rate of benign missense variation.